The following is an entry in ClinVar:

NM_002905.5(RDH5):c.155G>T (p.Gly52Val)

Genes: BLOC1S1-RDH5 (BLOC1S1-RDH5 readthrough; plus strand), RDH5 (retinol dehydrogenase 5; plus strand). Cytogenetic location: 12q13.2.
Variant type: single nucleotide variant.
Coding change: c.155G>T on transcript NM_002905.5 (MANE Select); coding-DNA position 155, G replaced by T.
Protein change: p.Gly52Val; replaces glycine 52 with valine.
Molecular consequence: missense variant.
Genome position (GRCh38, 1-based): chr12:55,721,339, G>T. VCF-style: chr12-55721339-G-T. GRCh37 (hg19) VCF-style: chr12-56115123-G-T.
Other names: c.155G>T, p.Gly52Val (NM_001199771.3); short protein forms G52V.
Identifiers: ClinVar variation 1906563 (VCV001906563.5), dbSNP rs1479107354, ClinGen allele CA385199752.

ClinVar aggregate classification (germline): Uncertain significance (1 of 4 stars; one submission).

Allele frequency attached by ClinVar (database versions not stated): gnomAD 0.00001; gnomAD exomes 0.00001.
gnomAD v4.1: 9 of 1,613,886 alleles (0.00056%); highest among the groups gnomAD compares: Non-Finnish European, 0.00076%; no homozygotes.

Submission:

Labcorp Genetics (formerly Invitae), Labcorp
Classification: Uncertain significance. Last evaluated: 2022-01-21. Review status: criteria provided, single submitter. Criteria: Invitae Variant Classification Sherloc (09022015). Collection method: clinical testing. Allele origin: germline.
Comment: In summary, the available evidence is currently insufficient to determine the role of this variant in disease. Therefore, it has been classified as a Variant of Uncertain Significance. Algorithms developed to predict the effect of missense changes on protein structure and function output the following: SIFT: "Deleterious"; PolyPhen-2: "Probably Damaging"; Align-GVGD: "Class C0". The valine amino acid residue is found in multiple mammalian species, which suggests that this missense change does not adversely affect protein function. This variant has not been reported in the literature in individuals affected with RDH5-related conditions. This variant is present in population databases (no rsID available, gnomAD 0.007%). This sequence change replaces glycine, which is neutral and non-polar, with valine, which is neutral and non-polar, at codon 52 of the RDH5 protein (p.Gly52Val).